The following is an entry in ClinVar:

NM_000038.6(APC):c.9A>G (p.Ala3=)

Gene: APC (APC regulator of Wnt signaling pathway; plus strand). Cytogenetic location: 5q22.2.
Variant type: single nucleotide variant.
Coding change: c.9A>G on transcript NM_000038.6 (MANE Select); coding-DNA position 9, A replaced by G.
Protein change: p.Ala3=; no amino-acid change (alanine 3 retained).
Molecular consequence: synonymous variant. On other transcripts: 5 prime UTR variant (4), non-coding transcript variant (2), intron variant (11).
Genome position (GRCh38, 1-based): chr5:112,754,899, A>G. VCF-style: chr5-112754899-A-G. GRCh37 (hg19) VCF-style: chr5-112090596-A-G.
Other names: c.9A>G, p.Ala3= (NM_001127510.3, NM_001354895.2, NM_001354896.2 and 16 more transcripts); c.-1027A>G (NM_001354906.2, NM_001407470.1, NM_001407471.1 and 1 more transcripts); c.166-11427A>G (NM_001407446.1, NM_001354897.2, NM_001354902.2 and 1 more transcripts); c.-42-11427A>G (NM_001407453.1, NM_001354900.2, NM_001354901.2 and 1 more transcripts); c.61-11427A>G (NM_001407451.1, NM_001354898.2, NM_001354904.2).
Identifiers: ClinVar variation 3148812 (VCV003148812.3), dbSNP rs1554067101, ClinGen allele CA445752294.

ClinVar aggregate classification (germline): Benign/Likely benign. Review status: criteria provided, multiple submitters, no conflicts (2 of 4 stars). 2 submissions from 2 submitters: Benign (1); Likely benign (1). Last evaluated 2024-08-27.

Conditions:
Familial adenomatous polyposis 1 (FAP1). Also called: POLYPOSIS, ADENOMATOUS INTESTINAL; FAMILIAL ADENOMATOUS POLYPOSIS 1, ATTENUATED. Identifiers: MedGen C2713442, MONDO:0021056, OMIM 175100. Disease mechanism: loss of function.

Allele frequency attached by ClinVar (database versions not stated): gnomAD exomes below 0.00001.
gnomAD v4.1: 2 of 1,613,760 alleles (0.00012%); highest among the groups gnomAD compares: Non-Finnish European, 0.00017%; no homozygotes.

Submissions (2):

Labcorp Genetics (formerly Invitae), Labcorp
Classification: Likely benign for Familial adenomatous polyposis 1. Last evaluated: 2024-08-27. Review status: criteria provided, single submitter. Criteria: Invitae Variant Classification Sherloc (09022015). Collection method: clinical testing. Allele origin: germline.

Myriad Genetics, Inc.
Classification: Benign for Familial adenomatous polyposis 1. Last evaluated: 2024-02-22. Review status: criteria provided, single submitter. Criteria: Myriad Autosomal Dominant, Autosomal Recessive and X-Linked Classification Criteria (2023). Collection method: clinical testing. Allele origin: unknown.
Comment: This variant is considered benign. This variant is a silent/synonymous amino acid change and it is not expected to impact splicing.